The following is an entry in ClinVar:

NM_003072.5(SMARCA4):c.77C>T (p.Ala26Val)

Gene: SMARCA4 (SWI/SNF related BAF chromatin remodeling complex subunit ATPase 4; plus strand). Cytogenetic location: 19p13.2.
Variant type: single nucleotide variant.
Coding change: c.77C>T on transcript NM_003072.5 (MANE Select); coding-DNA position 77, C replaced by T.
Protein change: p.Ala26Val; replaces alanine 26 with valine.
Molecular consequence: missense variant. On other transcripts: non-coding transcript variant (1).
Genome position (GRCh38, 1-based): chr19:10,984,228, C>T. VCF-style: chr19-10984228-C-T. GRCh37 (hg19) VCF-style: chr19-11094904-C-T.
Other names: c.77C>T, p.Ala26Val (NM_001128844.3, NM_001128845.2, NM_001128846.2 and 5 more transcripts); short protein forms A26V.
Identifiers: ClinVar variation 658826 (VCV000658826.9), dbSNP rs1599928845, ClinGen allele CA404054088.

ClinVar aggregate classification (germline): Uncertain significance. Review status: criteria provided, multiple submitters, no conflicts (2 of 4 stars). 2 submissions from 2 submitters: Uncertain significance (2). Last evaluated 2024-09-30.

Conditions:
Hereditary cancer-predisposing syndrome. Also called: Hereditary neoplastic syndrome; Neoplastic Syndromes, Hereditary; Hereditary Cancer Syndrome; Tumor predisposition. Identifiers: Orphanet 140162, MedGen C0027672, MeSH D009386, MONDO:0015356.
Rhabdoid tumor predisposition syndrome 2 (RTPS2). Identifiers: Orphanet 231108, Orphanet 69077, MedGen C2750074, MONDO:0013224, OMIM 613325.

Submissions (2):

Ambry Genetics
Classification: Uncertain significance for Hereditary cancer-predisposing syndrome. Last evaluated: 2024-09-30. Review status: criteria provided, single submitter. Criteria: Ambry Variant Classification Scheme 2023. Collection method: clinical testing. Allele origin: germline.
Comment: The p.A26V variant (also known as c.77C>T), located in coding exon 1 of the SMARCA4 gene, results from a C to T substitution at nucleotide position 77. The alanine at codon 26 is replaced by valine, an amino acid with similar properties. This amino acid position is conserved. In addition, the in silico prediction for this alteration is inconclusive. Based on the available evidence, the clinical significance of this variant remains unclear.

Labcorp Genetics (formerly Invitae), Labcorp
Classification: Uncertain significance for Rhabdoid tumor predisposition syndrome 2. Last evaluated: 2024-04-25. Review status: criteria provided, single submitter. Criteria: Invitae Variant Classification Sherloc (09022015). Collection method: clinical testing. Allele origin: germline.
Comment: This sequence change replaces alanine, which is neutral and non-polar, with valine, which is neutral and non-polar, at codon 26 of the SMARCA4 protein (p.Ala26Val). This variant is not present in population databases (gnomAD no frequency). This variant has not been reported in the literature in individuals affected with SMARCA4-related conditions. ClinVar contains an entry for this variant (Variation ID: 658826). Advanced modeling of protein sequence and biophysical properties (such as structural, functional, and spatial information, amino acid conservation, physicochemical variation, residue mobility, and thermodynamic stability) performed at Invitae indicates that this missense variant is not expected to disrupt SMARCA4 protein function with a negative predictive value of 95%. In summary, the available evidence is currently insufficient to determine the role of this variant in disease. Therefore, it has been classified as a Variant of Uncertain Significance.